The following is an entry in ClinVar:

ClinVar aggregate classification (germline): Uncertain significance (1 of 4 stars; one submission).

Submission:

Labcorp Genetics (formerly Invitae), Labcorp
Classification: Uncertain significance. Last evaluated: 2023-07-17. Review status: criteria provided, single submitter. Criteria: Invitae Variant Classification Sherloc (09022015). Collection method: clinical testing. Allele origin: germline.
Comment: Algorithms developed to predict the effect of missense changes on protein structure and function output the following: SIFT: "Not Available"; PolyPhen-2: "Benign"; Align-GVGD: "Not Available". The phenylalanine amino acid residue is found in multiple mammalian species, which suggests that this missense change does not adversely affect protein function. This sequence change replaces leucine, which is neutral and non-polar, with phenylalanine, which is neutral and non-polar, at codon 819 of the PCARE protein (p.Leu819Phe). This variant is not present in population databases (gnomAD no frequency). This variant has not been reported in the literature in individuals affected with PCARE-related conditions. ClinVar contains an entry for this variant (Variation ID: 2124625). In summary, the available evidence is currently insufficient to determine the role of this variant in disease. Therefore, it has been classified as a Variant of Uncertain Significance.

NM_001029883.3(PCARE):c.2455C>T (p.Leu819Phe)

Gene: PCARE (photoreceptor cilium actin regulator; minus strand). Cytogenetic location: 2p23.2.
Variant type: single nucleotide variant.
Coding change: c.2455C>T on transcript NM_001029883.3 (MANE Select); coding-DNA position 2455, C replaced by T.
Protein change: p.Leu819Phe; replaces leucine 819 with phenylalanine.
Molecular consequence: missense variant.
Genome position (GRCh38, 1-based): chr2:29,071,807, G>A on the plus strand (C>T on the coding strand, the complement: PCARE is on the minus strand). VCF-style: chr2-29071807-G-A. GRCh37 (hg19) VCF-style: chr2-29294673-G-A.
Other names: short protein forms L819F.
Identifiers: ClinVar variation 2124625 (VCV002124625.4), dbSNP rs773377902, ClinGen allele CA346477497.